The following is an entry in ClinVar:

NM_001145026.2(PTPRQ):c.3229C>T (p.Pro1077Ser)

Gene: PTPRQ (protein tyrosine phosphatase receptor type Q; plus strand). Cytogenetic location: 12q21.31.
Variant type: single nucleotide variant.
Coding change: c.3229C>T on transcript NM_001145026.2 (MANE Select); coding-DNA position 3229, C replaced by T.
Protein change: p.Pro1077Ser; replaces proline 1077 with serine.
Molecular consequence: missense variant.
Genome position (GRCh38, 1-based): chr12:80,541,629, C>T. VCF-style: chr12-80541629-C-T. GRCh37 (hg19) VCF-style: chr12-80935408-C-T.
Other names: short protein forms P1077S.
Identifiers: ClinVar variation 1309637 (VCV001309637.2), dbSNP rs1291407682, ClinGen allele CA385873373.

ClinVar aggregate classification (germline): Uncertain significance (1 of 4 stars; one submission).

Allele frequency attached by ClinVar (database versions not stated): gnomAD 0.00001; gnomAD exomes 0.00001 and 0.00002; TOPMed 0.00001.
gnomAD v4.1: 15 of 1,548,132 alleles (0.00097%); highest among the groups gnomAD compares: Admixed American, 0.0059%; no homozygotes.

Submission:

GeneDx
Classification: Uncertain significance. Last evaluated: 2019-11-11. Review status: criteria provided, single submitter. Criteria: GeneDx Variant Classification Process June 2021. Collection method: clinical testing. Allele origin: germline. Affected: yes.
Comment: In silico analysis, which includes protein predictors and evolutionary conservation, supports a deleterious effect; Has not been previously published as pathogenic or benign to our knowledge